The following is an entry in ClinVar:

ClinVar aggregate classification (germline): Uncertain significance (1 of 4 stars; one submission).

Allele frequency attached by ClinVar (database versions not stated): TOPMed below 0.00001.
gnomAD v4.1: 1 of 1,610,944 alleles (0.000062%); no homozygotes.

Submission:

Labcorp Genetics (formerly Invitae), Labcorp
Classification: Uncertain significance. Last evaluated: 2024-01-16. Review status: criteria provided, single submitter. Criteria: Invitae Variant Classification Sherloc (09022015). Collection method: clinical testing. Allele origin: germline.
Comment: This sequence change replaces serine, which is neutral and polar, with proline, which is neutral and non-polar, at codon 231 of the GATA3 protein (p.Ser231Pro). This variant is not present in population databases (gnomAD no frequency). This variant has not been reported in the literature in individuals affected with GATA3-related conditions. Advanced modeling of protein sequence and biophysical properties (such as structural, functional, and spatial information, amino acid conservation, physicochemical variation, residue mobility, and thermodynamic stability) performed at Invitae indicates that this missense variant is not expected to disrupt GATA3 protein function with a negative predictive value of 80%. In summary, the available evidence is currently insufficient to determine the role of this variant in disease. Therefore, it has been classified as a Variant of Uncertain Significance.

NM_001002295.2(GATA3):c.691T>C (p.Ser231Pro)

Gene: GATA3 (GATA binding protein 3; plus strand). Cytogenetic location: 10p14.
Variant type: single nucleotide variant.
Coding change: c.691T>C on transcript NM_001002295.2 (MANE Select); coding-DNA position 691, T replaced by C.
Protein change: p.Ser231Pro; replaces serine 231 with proline.
Molecular consequence: missense variant.
Genome position (GRCh38, 1-based): chr10:8,058,754, T>C. VCF-style: chr10-8058754-T-C. GRCh37 (hg19) VCF-style: chr10-8100717-T-C.
Other names: c.691T>C, p.Ser231Pro (NM_002051.3); short protein forms S231P.
Identifiers: ClinVar variation 2786152 (VCV002786152.3), dbSNP rs1564399262, ClinGen allele CA375970573.